The following is an entry in ClinVar:

NM_001267550.2(TTN):c.104636C>T (p.Pro34879Leu)

Genes: TTN (titin; minus strand), TTN-AS1 (TTN antisense RNA 1; plus strand). Cytogenetic location: 2q31.2.
Variant type: single nucleotide variant.
Coding change: c.104636C>T on transcript NM_001267550.2 (MANE Select); coding-DNA position 104636, C replaced by T.
Protein change: p.Pro34879Leu; replaces proline 34879 with leucine.
Molecular consequence: missense variant.
Genome position (GRCh38, 1-based): chr2:178,531,979, G>A on the plus strand (C>T on the coding strand, the complement: TTN is on the minus strand). VCF-style: chr2-178531979-G-A. GRCh37 (hg19) VCF-style: chr2-179396706-G-A.
Other names: c.99713C>T, p.Pro33238Leu (NM_001256850.1); c.77441C>T, p.Pro25814Leu (NM_003319.4); c.96932C>T, p.Pro32311Leu (NM_133378.4); c.77816C>T, p.Pro25939Leu (NM_133432.3); c.78017C>T, p.Pro26006Leu (NM_133437.4); short protein forms P32311L, P33238L, P25939L, P26006L, P25814L, P34879L.
Identifiers: ClinVar variation 4784846 (VCV004784846.1).

ClinVar aggregate classification (germline): Uncertain significance (1 of 4 stars; one submission).

Conditions:
Autosomal recessive limb-girdle muscular dystrophy type 2J (LGMDR10). Also called: Limb-girdle muscular dystrophy, type 2J; MUSCULAR DYSTROPHY, LIMB-GIRDLE, AUTOSOMAL RECESSIVE 10. Identifiers: Orphanet 140922, MedGen C1837342, MONDO:0012127, OMIM 608807.
Dilated cardiomyopathy 1G (CMD1G). Identifiers: Orphanet 154, MedGen C1858763, MONDO:0011400, OMIM 604145.

gnomAD v4.1: 1 of 1,613,744 alleles (0.000062%); highest among the groups gnomAD compares: South Asian, 0.0011%; no homozygotes.

Submission:

Labcorp Genetics (formerly Invitae), Labcorp
Classification: Uncertain significance for Dilated cardiomyopathy 1G; Autosomal recessive limb-girdle muscular dystrophy type 2J. Last evaluated: 2025-05-02. Review status: criteria provided, single submitter. Criteria: Invitae Variant Classification Sherloc (09022015). Collection method: clinical testing. Allele origin: germline.
Comment: This sequence change replaces proline, which is neutral and non-polar, with leucine, which is neutral and non-polar, at codon 34879 of the TTN protein (p.Pro34879Leu). This variant is not present in population databases (gnomAD no frequency). This variant has not been reported in the literature in individuals affected with TTN-related conditions. Experimental studies and prediction algorithms are not available or were not evaluated, and the functional significance of this variant is currently unknown. This variant is located in the M band of TTN (PMID: 25589632). Non-truncating variants in this region may be relevant for neuromuscular disorders, but have not been definitively shown to cause cardiomyopathy (PMID: 23975875). In summary, the available evidence is currently insufficient to determine the role of this variant in disease. Therefore, it has been classified as a Variant of Uncertain Significance.

Literature cited by the submitters: PubMed 25589632; PubMed 23975875.